The following is an entry in ClinVar:

NM_001849.4(COL6A2):c.2518G>A (p.Gly840Ser)

Gene: COL6A2 (collagen type VI alpha 2 chain; plus strand). Cytogenetic location: 21q22.3.
Variant type: single nucleotide variant.
Coding change: c.2518G>A on transcript NM_001849.4 (MANE Select); coding-DNA position 2518, G replaced by A.
Protein change: p.Gly840Ser; replaces glycine 840 with serine.
Molecular consequence: missense variant.
Genome position (GRCh38, 1-based): chr21:46,132,010, G>A. VCF-style: chr21-46132010-G-A. GRCh37 (hg19) VCF-style: chr21-47551924-G-A.
Other names: short protein forms G840S.
Identifiers: ClinVar variation 1007151 (VCV001007151.11), dbSNP rs373862445, ClinGen allele CA10072915.

ClinVar aggregate classification (germline): Conflicting classifications of pathogenicity. Review status: criteria provided, conflicting classifications (1 of 4 stars). 3 submissions from 3 submitters: Uncertain significance (2); Likely benign (1). Last evaluated 2025-10-27.

Conditions:
Bethlem myopathy 1A. Also called: Bethlem Muscular Dystrophy; MYOPATHY, BENIGN CONGENITAL, WITH CONTRACTURES; Bethlem myopathy 1. Identifiers: Orphanet 610, MedGen CN029274, MONDO:0024530, OMIM 158810.
Inborn genetic diseases. Identifiers: MedGen C0950123, MeSH D030342.

Allele frequency attached by ClinVar (database versions not stated): gnomAD exomes 0.00004 and 0.00005; ExAC 0.00005; gnomAD 0.00007 and 0.00009; ESP Exome Variant Server 0.00008; TOPMed 0.00015; 1000 Genomes Project 30x 0.00016; 1000 Genomes Project 0.00020.
gnomAD v4.1: 70 of 1,610,012 alleles (0.0043%); highest among the groups gnomAD compares: Admixed American, 0.02%; 1 homozygote.

Submissions (3):

Labcorp Genetics (formerly Invitae), Labcorp
Classification: Likely benign for Bethlem myopathy 1A. Last evaluated: 2025-10-27. Review status: criteria provided, single submitter. Criteria: Invitae Variant Classification Sherloc (09022015). Collection method: clinical testing. Allele origin: germline.

Ambry Genetics
Classification: Uncertain significance for Inborn genetic diseases. Last evaluated: 2025-02-28. Review status: criteria provided, single submitter. Criteria: Ambry Variant Classification Scheme 2023. Collection method: clinical testing. Allele origin: germline.

GeneDx
Classification: Uncertain significance. Last evaluated: 2022-03-10. Review status: criteria provided, single submitter. Criteria: GeneDx Variant Classification Process June 2021. Collection method: clinical testing. Allele origin: germline. Affected: yes.
Comment: In silico analysis supports that this missense variant does not alter protein structure/function; Has not been previously published as pathogenic or benign to our knowledge